The following is an entry in ClinVar:

ClinVar aggregate classification (germline): Uncertain significance (1 of 4 stars; one submission).

Allele frequency attached by ClinVar (database versions not stated): ExAC 0.00001; gnomAD 0.00001; TOPMed 0.00001; 1000 Genomes Project 30x 0.00016; 1000 Genomes Project 0.00020.
gnomAD v4.1: 4 of 1,614,252 alleles (0.00025%); highest among the groups gnomAD compares: African/African-American, 0.0027%; no homozygotes.

Submission:

Labcorp Genetics (formerly Invitae), Labcorp
Classification: Uncertain significance. Last evaluated: 2022-12-26. Review status: criteria provided, single submitter. Criteria: Invitae Variant Classification Sherloc (09022015). Collection method: clinical testing. Allele origin: germline.
Comment: This sequence change replaces glycine, which is neutral and non-polar, with aspartic acid, which is acidic and polar, at codon 345 of the DTNBP1 protein (p.Gly345Asp). This variant is present in population databases (rs534512945, gnomAD 0.01%). This variant has not been reported in the literature in individuals affected with DTNBP1-related conditions. Algorithms developed to predict the effect of missense changes on protein structure and function (SIFT, PolyPhen-2, Align-GVGD) all suggest that this variant is likely to be tolerated. In summary, the available evidence is currently insufficient to determine the role of this variant in disease. Therefore, it has been classified as a Variant of Uncertain Significance.

NM_032122.5(DTNBP1):c.1034G>A (p.Gly345Asp)

Gene: DTNBP1 (dystrobrevin binding protein 1; minus strand). Cytogenetic location: 6p22.3.
Variant type: single nucleotide variant.
Coding change: c.1034G>A on transcript NM_032122.5 (MANE Select); coding-DNA position 1034, G replaced by A.
Protein change: p.Gly345Asp; replaces glycine 345 with aspartic acid.
Molecular consequence: missense variant.
Genome position (GRCh38, 1-based): chr6:15,522,997, C>T on the plus strand (G>A on the coding strand, the complement: DTNBP1 is on the minus strand). VCF-style: chr6-15522997-C-T. GRCh37 (hg19) VCF-style: chr6-15523228-C-T.
Other names: c.791G>A, p.Gly264Asp (NM_001271667.2, NM_183041.1); c.983G>A, p.Gly328Asp (NM_001271668.2); c.929G>A, p.Gly310Asp (NM_001271669.2); short protein forms G264D, G328D, G345D, G310D.
Identifiers: ClinVar variation 2824294 (VCV002824294.3), dbSNP rs534512945, ClinGen allele CA3643648.